The following is an entry in ClinVar:

NM_001423530.1(FAM90A24):c.285C>A (p.Pro95=)

Gene: FAM90A24 (family with sequence similarity 90 member A24; minus strand). Cytogenetic location: 8p23.1.
Variant type: single nucleotide variant.
Coding change: c.285C>A on transcript NM_001423530.1 (MANE Select); coding-DNA position 285, C replaced by A.
Protein change: p.Pro95=; no amino-acid change (proline 95 retained).
Molecular consequence: synonymous variant.
Genome position (GRCh38, 1-based): chr8:8,022,220, G>T on the plus strand (C>A on the coding strand, the complement: FAM90A24 is on the minus strand). VCF-style: chr8-8022220-G-T. GRCh37 (hg19) VCF-style: chr8-7879742-G-T.
Identifiers: ClinVar variation 4821495 (VCV004821495.4).

ClinVar aggregate classification (germline): Likely benign (1 of 4 stars; one submission).

Submission:

CeGaT Center for Human Genetics Tuebingen
Classification: Likely benign. Last evaluated: 2026-01-01. Review status: criteria provided, single submitter. Criteria: CeGaT Center For Human Genetics Tuebingen Variant Classification Criteria Version 2. Collection method: clinical testing. Allele origin: germline. Affected: yes. Observed: 1 variant allele.
Comment: FAM90A24: BP4, BP7